The following is an entry in ClinVar:

ClinVar aggregate classification (germline): Uncertain significance (1 of 4 stars; one submission).

Conditions:
SCAPER-related disorder. Also called: SCAPER-related condition.

Submission:

PreventionGenetics, part of Exact Sciences
Classification: Uncertain significance for SCAPER-related condition. Last evaluated: 2025-06-14. Review status: criteria provided, single submitter. Criteria: ACMG Guidelines, 2015. Collection method: clinical testing. Allele origin: germline.
Comment: The SCAPER c.4184A>G variant is predicted to result in the amino acid substitution p.Glu1395Gly. To our knowledge, this variant has not been reported in the literature or in a large population database (gnomAD), indicating this variant is rare. At this time, the clinical significance of this variant is uncertain due to the absence of conclusive functional and genetic evidence.

NM_020843.4(SCAPER):c.4166A>G (p.Glu1389Gly)

Gene: SCAPER (S-phase cyclin A associated protein in the ER; minus strand). Cytogenetic location: 15q24.3.
Variant type: single nucleotide variant.
Coding change: c.4166A>G on transcript NM_020843.4 (MANE Select); coding-DNA position 4166, A replaced by G.
Protein change: p.Glu1389Gly; replaces glutamic acid 1389 with glycine.
Molecular consequence: missense variant. On other transcripts: non-coding transcript variant (1).
Genome position (GRCh38, 1-based): chr15:76,348,670, T>C on the plus strand (A>G on the coding strand, the complement: SCAPER is on the minus strand). VCF-style: chr15-76348670-T-C. GRCh37 (hg19) VCF-style: chr15-76641011-T-C.
Other names: c.3428A>G, p.Glu1143Gly (NM_001145923.2); c.4184A>G, p.Glu1395Gly (NM_001353009.2); c.3764A>G, p.Glu1255Gly (NM_001353010.2, NM_001353012.2); c.3782A>G, p.Glu1261Gly (NM_001353011.2); short protein forms E1143G, E1261G, E1255G, E1389G, E1395G.
Identifiers: ClinVar variation 4999077 (VCV004999077.1).